The following is an entry in ClinVar:

NM_144773.4(PROKR2):c.770G>A (p.Gly257Glu)

Gene: PROKR2 (prokineticin receptor 2; minus strand). Cytogenetic location: 20p12.3.
Variant type: single nucleotide variant.
Coding change: c.770G>A on transcript NM_144773.4 (MANE Select); coding-DNA position 770, G replaced by A.
Protein change: p.Gly257Glu; replaces glycine 257 with glutamic acid.
Molecular consequence: missense variant.
Genome position (GRCh38, 1-based): chr20:5,302,425, C>T on the plus strand (G>A on the coding strand, the complement: PROKR2 is on the minus strand). VCF-style: chr20-5302425-C-T. GRCh37 (hg19) VCF-style: chr20-5283071-C-T.
Other names: short protein forms G257E.
Identifiers: ClinVar variation 1989826 (VCV001989826.5), dbSNP rs772347118, ClinGen allele CA9754289.

ClinVar aggregate classification (germline): Uncertain significance. Review status: criteria provided, multiple submitters, no conflicts (2 of 4 stars). 2 submissions from 2 submitters: Uncertain significance (2). Last evaluated 2022-01-16.

Allele frequency attached by ClinVar (database versions not stated): gnomAD 0.00001.
gnomAD v4.1: 75 of 1,614,084 alleles (0.0046%); highest among the groups gnomAD compares: Non-Finnish European, 0.0058%; no homozygotes.

Submissions (2):

Labcorp Genetics (formerly Invitae), Labcorp
Classification: Uncertain significance. Last evaluated: 2022-01-16. Review status: criteria provided, single submitter. Criteria: Invitae Variant Classification Sherloc (09022015). Collection method: clinical testing. Allele origin: germline.
Comment: This sequence change replaces glycine, which is neutral and non-polar, with glutamic acid, which is acidic and polar, at codon 257 of the PROKR2 protein (p.Gly257Glu). In summary, the available evidence is currently insufficient to determine the role of this variant in disease. Therefore, it has been classified as a Variant of Uncertain Significance. Algorithms developed to predict the effect of missense changes on protein structure and function (SIFT, PolyPhen-2, Align-GVGD) all suggest that this variant is likely to be disruptive. This variant has not been reported in the literature in individuals affected with PROKR2-related conditions. This variant is present in population databases (rs772347118, gnomAD 0.01%).

Blueprint Genetics
Classification: Uncertain significance. Last evaluated: 2021-09-03. Review status: criteria provided, single submitter. Criteria: ACMG Guidelines, 2015. Collection method: clinical testing. Allele origin: germline.